The following is an entry in ClinVar:

ClinVar aggregate classification (germline): Pathogenic (1 of 4 stars; one submission).

Conditions:
Osteogenesis imperfecta (OI). Identifiers: Orphanet 666, MedGen C0029434, MeSH D010013, MONDO:0019019.

Submission:

Women's Health and Genetics/Laboratory Corporation of America, LabCorp
Classification: Pathogenic for Osteogenesis imperfecta. Last evaluated: 2023-08-09. Review status: criteria provided, single submitter. Criteria: LabCorp Variant Classification Summary - May 2015. Collection method: clinical testing. Allele origin: germline.
Comment: Variant summary: COL1A1 c.760G>T (p.Gly254X) results in a premature termination codon, predicted to cause absence of the protein due to nonsense mediated decay, which is a commonly known mechanism for disease. The variant was absent in 251460 control chromosomes (gnomAD). To our knowledge, no occurrence of c.760G>T in individuals affected with Osteogenesis Imperfecta and no experimental evidence demonstrating its impact on protein function have been reported. No submitters have cited clinical-significance assessments for this variant to ClinVar after 2014. Based on the evidence outlined above, the variant was classified as pathogenic.

NM_000088.4(COL1A1):c.760G>T (p.Gly254Ter)

Genes: COL1A1 (collagen type I alpha 1 chain; minus strand), LOC126862586 (CDK7 strongly-dependent group 2 enhancer GRCh37_chr17:48273702-48274901; plus strand). Cytogenetic location: 17q21.33.
Variant type: single nucleotide variant.
Coding change: c.760G>T on transcript NM_000088.4 (MANE Select); coding-DNA position 760, G replaced by T.
Protein change: p.Gly254Ter; replaces glycine 254 with a stop codon.
Molecular consequence: nonsense.
Genome position (GRCh38, 1-based): chr17:50,197,054, C>A on the plus strand (G>T on the coding strand, the complement: COL1A1 is on the minus strand). VCF-style: chr17-50197054-C-A. GRCh37 (hg19) VCF-style: chr17-48274415-C-A.
Other names: short protein forms G254*.
Identifiers: ClinVar variation 2581594 (VCV002581594.1), dbSNP rs72645319, ClinGen allele CA400223944.